The following is an entry in ClinVar:

ClinVar aggregate classification (germline): Uncertain significance (1 of 4 stars; one submission).

Allele frequency attached by ClinVar (database versions not stated): gnomAD 0.00001.
gnomAD v4.1: 1 of 1,613,034 alleles (0.000062%); highest among the groups gnomAD compares: Non-Finnish European, 0.000085%; no homozygotes.

Submission:

Ambry Genetics
Classification: Uncertain significance. Last evaluated: 2023-11-11. Review status: criteria provided, single submitter. Criteria: Ambry Variant Classification Scheme 2023. Collection method: clinical testing. Allele origin: germline.
Comment: The p.V533L variant (also known as c.1597G>T), located in coding exon 12 of the RECQL gene, results from a G to T substitution at nucleotide position 1597. The valine at codon 533 is replaced by leucine, an amino acid with highly similar properties. This amino acid position is conserved. In addition, this alteration is predicted to be tolerated by in silico analysis. Since supporting evidence is limited at this time, the clinical significance of this alteration remains unclear.

NM_002907.4(RECQL):c.1597G>T (p.Val533Leu)

Gene: RECQL (RecQ like helicase; minus strand). Cytogenetic location: 12p12.1.
Variant type: single nucleotide variant.
Coding change: c.1597G>T on transcript NM_002907.4 (MANE Select); coding-DNA position 1597, G replaced by T.
Protein change: p.Val533Leu; replaces valine 533 with leucine.
Molecular consequence: missense variant.
Genome position (GRCh38, 1-based): chr12:21,471,498, C>A on the plus strand (G>T on the coding strand, the complement: RECQL is on the minus strand). VCF-style: chr12-21471498-C-A. GRCh37 (hg19) VCF-style: chr12-21624432-C-A.
Other names: c.1597G>T, p.Val533Leu (NM_032941.3); short protein forms V533L.
Identifiers: ClinVar variation 3222941 (VCV003222941.1), dbSNP rs1420717752, ClinGen allele CA384116073.